The following is an entry in ClinVar:

NM_005585.5(SMAD6):c.694T>C (p.Trp232Arg)

Gene: SMAD6 (SMAD family member 6; plus strand). Cytogenetic location: 15q22.31.
Variant type: single nucleotide variant.
Coding change: c.694T>C on transcript NM_005585.5 (MANE Select); coding-DNA position 694, T replaced by C.
Protein change: p.Trp232Arg; replaces tryptophan 232 with arginine.
Molecular consequence: missense variant. On other transcripts: non-coding transcript variant (1).
Genome position (GRCh38, 1-based): chr15:66,703,952, T>C. VCF-style: chr15-66703952-T-C. GRCh37 (hg19) VCF-style: chr15-66996290-T-C.
Other names: short protein forms W232R.
Identifiers: ClinVar variation 3224803 (VCV003224803.1), dbSNP rs1209746826, ClinGen allele CA392950055.

ClinVar aggregate classification (germline): Uncertain significance (1 of 4 stars; one submission).

Conditions:
Inborn genetic diseases. Identifiers: MedGen C0950123, MeSH D030342.

Allele frequency attached by ClinVar (database versions not stated): gnomAD 0.00001.
gnomAD v4.1: 5 of 1,408,820 alleles (0.00035%); highest among the groups gnomAD compares: Non-Finnish European, 0.00046%; no homozygotes.

Submission:

Ambry Genetics
Classification: Uncertain significance for Inborn genetic diseases. Last evaluated: 2024-02-06. Review status: criteria provided, single submitter. Criteria: Ambry Variant Classification Scheme 2023. Collection method: clinical testing. Allele origin: germline.
Comment: The p.W232R variant (also known as c.694T>C), located in coding exon 1 of the SMAD6 gene, results from a T to C substitution at nucleotide position 694. The tryptophan at codon 232 is replaced by arginine, an amino acid with dissimilar properties. This amino acid position is conserved. In addition, this alteration is predicted to be deleterious by in silico analysis. Based on the available evidence, the clinical significance of this alteration remains unclear.